The following is an entry in ClinVar:

ClinVar aggregate classification (germline): Likely pathogenic. Review status: criteria provided, multiple submitters, no conflicts (2 of 4 stars). 3 submissions from 3 submitters: Likely pathogenic (3). Last evaluated 2025-07-09.

Conditions:
CEP290-related disorder. Also called: CEP290-related disorders; CEP290-related condition. Identifiers: MedGen CN239314.
Leber congenital amaurosis 10 (LCA10). Identifiers: Orphanet 65, MedGen C1857821, MONDO:0012723, OMIM 611755.
Senior-Loken syndrome 6 (SLSN6). Identifiers: Orphanet 3156, MedGen C1857779, MONDO:0012433, OMIM 610189.
Joubert syndrome 5 (JBTS5). Identifiers: Orphanet 2318, MedGen C1857780, MONDO:0012432, OMIM 610188.
Bardet-Biedl syndrome 14 (BBS14). Identifiers: Orphanet 110, MedGen C2673874, MONDO:0014442, OMIM 615991.
Meckel syndrome, type 4 (MKS4). Also called: MECKEL-GRUBER SYNDROME, TYPE 4. Identifiers: Orphanet 564, MedGen C1970161, MONDO:0012626, OMIM 611134.
Meckel-Gruber syndrome. Also called: Dysencephalia splachnocystica; DYSENCEPHALIA SPLANCHNOCYSTICA; GRUBER SYNDROME. Identifiers: Orphanet 564, MedGen C0265215, MONDO:0018921.
Joubert syndrome. Also called: Familial aplasia of the vermis; JOUBERT-BOLTSHAUSER SYNDROME. Identifiers: Orphanet 475, MedGen C5979921, MONDO:0018772.
Nephronophthisis. Also called: Juvenile Nephronophthisis. Identifiers: Orphanet 655, MedGen C0687120, MONDO:0019005, HP:0000090.

Allele frequency attached by ClinVar (database versions not stated): TOPMed below 0.00001.
gnomAD v4.1: 2 of 1,613,376 alleles (0.00012%); highest among the groups gnomAD compares: Non-Finnish European, 0.00017%; no homozygotes.

Submissions (3):

PreventionGenetics, part of Exact Sciences
Classification: Likely pathogenic for CEP290-related condition. Last evaluated: 2025-07-09. Review status: criteria provided, single submitter. Criteria: ACMG Guidelines, 2015. Collection method: clinical testing. Allele origin: germline.
Comment: The CEP290 c.441+1G>A variant is predicted to disrupt the GT donor site and interfere with normal splicing. To our knowledge, this variant has not been reported in the literature. This variant is reported in 0.0018% of alleles in individuals of European (Non-Finnish) descent in gnomAD. Variants that disrupt the consensus splice donor site in CEP290 are expected to be pathogenic. This variant is interpreted as likely pathogenic.

Fulgent Genetics
Classification: Likely pathogenic for Joubert syndrome 5; Senior-Loken syndrome 6; Meckel syndrome, type 4; Leber congenital amaurosis 10; Bardet-Biedl syndrome 14. Last evaluated: 2024-06-25. Review status: criteria provided, single submitter. Criteria: ACMG Guidelines, 2015. Collection method: clinical testing. Allele origin: germline.

Labcorp Genetics (formerly Invitae), Labcorp
Classification: Likely pathogenic for Joubert syndrome; Meckel-Gruber syndrome; Nephronophthisis. Last evaluated: 2022-12-03. Review status: criteria provided, single submitter. Criteria: Invitae Variant Classification Sherloc (09022015). Collection method: clinical testing. Allele origin: germline.
Comment: In summary, the currently available evidence indicates that the variant is pathogenic, but additional data are needed to prove that conclusively. Therefore, this variant has been classified as Likely Pathogenic. Algorithms developed to predict the effect of sequence changes on RNA splicing suggest that this variant may disrupt the consensus splice site. This variant has not been reported in the literature in individuals affected with CEP290-related conditions. This variant is present in population databases (no rsID available, gnomAD 0.002%). This sequence change affects a donor splice site in intron 6 of the CEP290 gene. It is expected to disrupt RNA splicing. Variants that disrupt the donor or acceptor splice site typically lead to a loss of protein function (PMID: 16199547), and loss-of-function variants in CEP290 are known to be pathogenic (PMID: 16909394, 17345604, 20690115).

Literature cited by the submitters: PubMed 16199547 (cited by Labcorp Genetics (formerly Invitae), Labcorp); PubMed 16909394 (cited by Labcorp Genetics (formerly Invitae), Labcorp); PubMed 17345604 (cited by Labcorp Genetics (formerly Invitae), Labcorp); PubMed 20690115 (cited by Labcorp Genetics (formerly Invitae), Labcorp).

NM_025114.4(CEP290):c.441+1G>A

Gene: CEP290 (centrosomal protein 290; minus strand). Cytogenetic location: 12q21.32.
Variant type: single nucleotide variant.
Coding change: c.441+1G>A on transcript NM_025114.4 (MANE Select); the canonical splice donor site of the intron after coding-DNA position 441, G replaced by A.
Molecular consequence: splice donor variant.
Genome position (GRCh38, 1-based): chr12:88,136,642, C>T on the plus strand (G>A on the coding strand, the complement: CEP290 is on the minus strand). VCF-style: chr12-88136642-C-T. GRCh37 (hg19) VCF-style: chr12-88530419-C-T.
Other names: c.441+1G>A (NM_025114.3).
Identifiers: ClinVar variation 2938467 (VCV002938467.5), dbSNP rs1184012636, ClinGen allele CA385987068.